The following is an entry in ClinVar:

ClinVar aggregate classification (germline): Conflicting classifications of pathogenicity. Review status: criteria provided, conflicting classifications (1 of 4 stars). 2 submissions from 2 submitters: Likely pathogenic (1); Uncertain significance (1). Last evaluated 2025-02-14.

Conditions:
Kabuki syndrome. Also called: NIIKAWA-KUROKI SYNDROME; Kabuki make-up syndrome. Identifiers: Orphanet 2322, MedGen C0796004, MONDO:0016512.

Submissions (2):

GeneDx
Classification: Likely pathogenic. Last evaluated: 2025-02-14. Review status: criteria provided, single submitter. Criteria: GeneDx Variant Classification Process June 2021. Collection method: clinical testing. Allele origin: germline. Affected: yes.
Comment: Not observed at significant frequency in large population cohorts (gnomAD); In silico analysis supports that this missense variant does not alter protein structure/function; This variant is associated with the following publications: (PMID: 39104744)

Labcorp Genetics (formerly Invitae), Labcorp
Classification: Uncertain significance for Kabuki syndrome. Last evaluated: 2024-08-24. Review status: criteria provided, single submitter. Criteria: Invitae Variant Classification Sherloc (09022015). Collection method: clinical testing. Allele origin: germline.
Comment: This sequence change replaces aspartic acid, which is acidic and polar, with glycine, which is neutral and non-polar, at codon 4654 of the KMT2D protein (p.Asp4654Gly). This variant is not present in population databases (gnomAD no frequency). This variant has not been reported in the literature in individuals affected with KMT2D-related conditions. Invitae Evidence Modeling of protein sequence and biophysical properties (such as structural, functional, and spatial information, amino acid conservation, physicochemical variation, residue mobility, and thermodynamic stability) indicates that this missense variant is not expected to disrupt KMT2D protein function with a negative predictive value of 95%. In summary, the available evidence is currently insufficient to determine the role of this variant in disease. Therefore, it has been classified as a Variant of Uncertain Significance.

NM_003482.4(KMT2D):c.13961A>G (p.Asp4654Gly)

Gene: KMT2D (lysine methyltransferase 2D; minus strand). Cytogenetic location: 12q13.12.
Variant type: single nucleotide variant.
Coding change: c.13961A>G on transcript NM_003482.4 (MANE Select); coding-DNA position 13961, A replaced by G.
Protein change: p.Asp4654Gly; replaces aspartic acid 4654 with glycine.
Molecular consequence: missense variant.
Genome position (GRCh38, 1-based): chr12:49,030,318, T>C on the plus strand (A>G on the coding strand, the complement: KMT2D is on the minus strand). VCF-style: chr12-49030318-T-C. GRCh37 (hg19) VCF-style: chr12-49424101-T-C.
Other names: short protein forms D4654G.
Identifiers: ClinVar variation 3635094 (VCV003635094.3).